The following is an entry in ClinVar:

ClinVar aggregate classification (germline): Uncertain significance. Review status: criteria provided, multiple submitters, no conflicts (2 of 4 stars). 2 submissions from 2 submitters: Uncertain significance (2). Last evaluated 2022-06-20.

Conditions:
Inborn genetic diseases. Identifiers: MedGen C0950123, MeSH D030342.

Submissions (2):

GeneDx
Classification: Uncertain significance. Last evaluated: 2022-06-20. Review status: criteria provided, single submitter. Criteria: GeneDx Variant Classification Process June 2021. Collection method: clinical testing. Allele origin: germline. Affected: yes.
Comment: Not observed at significant frequency in large population cohorts (gnomAD); In silico analysis supports that this missense variant has a deleterious effect on protein structure/function; Has not been previously published as pathogenic or benign to our knowledge; This variant is associated with the following publications: (PMID: 27048600)

Ambry Genetics
Classification: Uncertain significance for Inborn genetic diseases. Last evaluated: 2017-06-28. Review status: criteria provided, single submitter. Criteria: Ambry exome assertion method (8-5-2015). Collection method: clinical testing. Allele origin: germline. Affected: yes. Observed: 1 variant allele.

Literature cited by the submitters: PubMed 27048600 (cited by Ambry Genetics).

NM_177559.3(CSNK2A1):c.596G>A (p.Gly199Asp)

Gene: CSNK2A1 (casein kinase 2 alpha 1; minus strand). Cytogenetic location: 20p13.
Variant type: single nucleotide variant.
Coding change: c.596G>A on transcript NM_177559.3 (MANE Select); coding-DNA position 596, G replaced by A.
Protein change: p.Gly199Asp; replaces glycine 199 with aspartic acid.
Molecular consequence: missense variant.
Genome position (GRCh38, 1-based): chr20:492,279, C>T on the plus strand (G>A on the coding strand, the complement: CSNK2A1 is on the minus strand). VCF-style: chr20-492279-C-T. GRCh37 (hg19) VCF-style: chr20-472923-C-T.
Other names: c.596G>A, p.Gly199Asp (NM_001362770.2, NM_001362771.2, NM_001895.4); c.188G>A, p.Gly63Asp (NM_177560.3); short protein forms G199D, G63D.
Identifiers: ClinVar variation 521897 (VCV000521897.5), dbSNP rs1555762709, ClinGen allele CA407930831.